The following is an entry in ClinVar:

ClinVar aggregate classification (germline): Uncertain significance (1 of 4 stars; one submission).

Conditions:
Nuclear pulverulent cataract (CTRCT2). Identifiers: MedGen C1852438, HP:0010698.

Submission:

Labcorp Genetics (formerly Invitae), Labcorp
Classification: Uncertain significance for Nuclear pulverulent cataract. Last evaluated: 2026-01-25. Review status: criteria provided, single submitter. Criteria: Invitae Variant Classification Sherloc (09022015). Collection method: clinical testing. Allele origin: germline.
Comment: This sequence change replaces aspartic acid, which is acidic and polar, with tyrosine, which is neutral and polar, at codon 172 of the CRYGC protein (p.Asp172Tyr). This variant is present in population databases (rs775639037, gnomAD 0.004%). This variant has not been reported in the literature in individuals affected with CRYGC-related conditions. An algorithm developed to predict the effect of missense changes on protein structure and function (PolyPhen-2) suggests that this variant is likely to be disruptive. In summary, the available evidence is currently insufficient to determine the role of this variant in disease. Therefore, it has been classified as a Variant of Uncertain Significance.

NM_020989.4(CRYGC):c.514G>T (p.Asp172Tyr)

Genes: CRYGC (crystallin gamma C; minus strand), LOC100507443 (uncharacterized LOC100507443; plus strand). Cytogenetic location: 2q33.3.
Variant type: single nucleotide variant.
Coding change: c.514G>T on transcript NM_020989.4 (MANE Select); coding-DNA position 514, G replaced by T.
Protein change: p.Asp172Tyr; replaces aspartic acid 172 with tyrosine.
Molecular consequence: missense variant.
Genome position (GRCh38, 1-based): chr2:208,128,214, C>A on the plus strand (G>T on the coding strand, the complement: CRYGC is on the minus strand). VCF-style: chr2-208128214-C-A. GRCh37 (hg19) VCF-style: chr2-208992938-C-A.
Other names: short protein forms D172Y.
Identifiers: ClinVar variation 4755057 (VCV004755057.1).